The following is an entry in ClinVar:

ClinVar aggregate classification (germline): Uncertain significance (1 of 4 stars; one submission).

Submission:

GeneDx
Classification: Uncertain significance. Last evaluated: 2025-03-11. Review status: criteria provided, single submitter. Criteria: GeneDx Variant Classification Process June 2021. Collection method: clinical testing. Allele origin: germline. Affected: yes.
Comment: Not observed at significant frequency in large population cohorts (gnomAD); In silico analysis supports that this missense variant has a deleterious effect on protein structure/function; Has not been previously published as pathogenic or benign to our knowledge

NM_001318852.2(MAPK8IP3):c.1918C>T (p.Arg640Cys)

Gene: MAPK8IP3 (mitogen-activated protein kinase 8 interacting protein 3; plus strand). Cytogenetic location: 16p13.3.
Variant type: single nucleotide variant.
Coding change: c.1918C>T on transcript NM_001318852.2 (MANE Select); coding-DNA position 1918, C replaced by T.
Protein change: p.Arg640Cys; replaces arginine 640 with cysteine.
Molecular consequence: missense variant.
Genome position (GRCh38, 1-based): chr16:1,763,676, C>T. VCF-style: chr16-1763676-C-T. GRCh37 (hg19) VCF-style: chr16-1813677-C-T.
Other names: c.1897C>T, p.Arg633Cys (NM_001040439.2); c.1915C>T, p.Arg639Cys (NM_015133.5); short protein forms R633C, R639C, R640C.
Identifiers: ClinVar variation 4082976 (VCV004082976.1).